The following is an entry in ClinVar:

NM_005535.3(IL12RB1):c.1069T>C (p.Tyr357His)

Gene: IL12RB1 (interleukin 12 receptor subunit beta 1; minus strand). Cytogenetic location: 19p13.11.
Variant type: single nucleotide variant.
Coding change: c.1069T>C on transcript NM_005535.3 (MANE Select); coding-DNA position 1069, T replaced by C.
Protein change: p.Tyr357His; replaces tyrosine 357 with histidine.
Molecular consequence: missense variant.
Genome position (GRCh38, 1-based): chr19:18,069,666, A>G on the plus strand (T>C on the coding strand, the complement: IL12RB1 is on the minus strand). VCF-style: chr19-18069666-A-G. GRCh37 (hg19) VCF-style: chr19-18180476-A-G.
Other names: c.1069T>C, p.Tyr357His (NM_001290023.2); c.1189T>C, p.Tyr397His (NM_001290024.2); short protein forms Y397H, Y357H.
Identifiers: ClinVar variation 2181430 (VCV002181430.5), dbSNP rs766080270, ClinGen allele CA9304969.

ClinVar aggregate classification (germline): Conflicting classifications of pathogenicity. Review status: criteria provided, conflicting classifications (1 of 4 stars). 2 submissions from 2 submitters: Uncertain significance (1); Likely benign (1). Last evaluated 2025-04-25.

Conditions:
Mendelian susceptibility to mycobacterial diseases due to complete IL12RB1 deficiency. Also called: IL12RB1 DEFICIENCY; Immunodeficiency 30. Identifiers: Orphanet 319552, MedGen C4013949, MONDO:0013955, OMIM 614891.
Inborn genetic diseases. Identifiers: MedGen C0950123, MeSH D030342.

Allele frequency attached by ClinVar (database versions not stated): TOPMed below 0.00001; ExAC 0.00001; gnomAD 0.00001; gnomAD exomes 0.00002; 1000 Genomes Project 30x 0.00016.
gnomAD v4.1: 32 of 1,612,920 alleles (0.002%); highest among the groups gnomAD compares: Non-Finnish European, 0.0024%; no homozygotes.

Submissions (2):

Ambry Genetics
Classification: Likely benign for Inborn genetic diseases. Last evaluated: 2025-04-25. Review status: criteria provided, single submitter. Criteria: Ambry Variant Classification Scheme 2023. Collection method: clinical testing. Allele origin: germline.

Labcorp Genetics (formerly Invitae), Labcorp
Classification: Uncertain significance for Mendelian susceptibility to mycobacterial diseases due to complete IL12RB1 deficiency. Last evaluated: 2022-05-27. Review status: criteria provided, single submitter. Criteria: Invitae Variant Classification Sherloc (09022015). Collection method: clinical testing. Allele origin: germline.
Comment: In summary, the available evidence is currently insufficient to determine the role of this variant in disease. Therefore, it has been classified as a Variant of Uncertain Significance. Algorithms developed to predict the effect of missense changes on protein structure and function output the following: SIFT: "Tolerated"; PolyPhen-2: "Benign"; Align-GVGD: "Class C0". The histidine amino acid residue is found in multiple mammalian species, which suggests that this missense change does not adversely affect protein function. This variant has not been reported in the literature in individuals affected with IL12RB1-related conditions. This variant is present in population databases (rs766080270, gnomAD 0.002%). This sequence change replaces tyrosine, which is neutral and polar, with histidine, which is basic and polar, at codon 357 of the IL12RB1 protein (p.Tyr357His).